The following is an entry in ClinVar:

NM_006892.4(DNMT3B):c.2340G>A (p.Ser780=)

Gene: DNMT3B (DNA methyltransferase 3 beta; plus strand). Cytogenetic location: 20q11.21.
Variant type: single nucleotide variant.
Coding change: c.2340G>A on transcript NM_006892.4 (MANE Select); coding-DNA position 2340, G replaced by A.
Protein change: p.Ser780=; no amino-acid change (serine 780 retained).
Molecular consequence: synonymous variant. On other transcripts: intron variant (3).
Genome position (GRCh38, 1-based): chr20:32,806,247, G>A. VCF-style: chr20-32806247-G-A. GRCh37 (hg19) VCF-style: chr20-31394053-G-A.
Other names: c.2280G>A, p.Ser760= (NM_175848.2); c.2316G>A, p.Ser772= (NM_175850.3); c.2172-1515G>A (NM_175849.2); c.2046-1515G>A (NM_001207055.2); c.1944-1515G>A (NM_001207056.2).
Identifiers: ClinVar variation 2052111 (VCV002052111.7), dbSNP rs151108199, ClinGen allele CA9810898.
Genomic context (GRCh38, chr20:32,806,247, plus strand): 5'-ATGATGTCATTTTGTTCTCCAGTTAAAGAAAGTACAGACAATAACCACCAAGTCGAACTC[G>A]ATCAAACAGGGGAAAAACCAACTTTTCCCTGTTGTCATGAATGGCAAAGAAGATGTTTTG-3'
Protein context (NP_008823.1, residues 770-790): KVQTITTKSN[Ser780=]IKQGKNQLFP

ClinVar aggregate classification (germline): Likely benign. Review status: criteria provided, multiple submitters, no conflicts (2 of 4 stars). 3 submissions from 3 submitters: Likely benign (3). Last evaluated 2026-06-01.

Conditions:
Centromeric instability of chromosomes 1,9 and 16 and immunodeficiency (ICF1). Also called: CENTROMERIC INSTABILITY, IMMUNODEFICIENCY SYNDROME; Immunodeficiency-centromeric instability-facial anomalies; IMMUNE DEFICIENCY, VARIABLE, WITH CENTROMERIC INSTABILITY OF CHROMOSOMES 1, 9, AND 16; IMMUNODEFICIENCY SYNDROME, VARIABLE. Identifiers: Orphanet 2268, MedGen C0398788, MONDO:0000133.

Allele frequency attached by ClinVar (database versions not stated): 1000 Genomes Project 0.00020; 1000 Genomes Project 30x 0.00031; ESP Exome Variant Server 0.00031.
gnomAD v4.1: 59 of 1,614,166 alleles (0.0037%); highest among the groups gnomAD compares: African/African-American, 0.051%; no homozygotes.

Submissions (3):

CeGaT Center for Human Genetics Tuebingen
Classification: Likely benign. Last evaluated: 2026-06-01. Review status: criteria provided, single submitter. Criteria: CeGaT Center For Human Genetics Tuebingen Variant Classification Criteria Version 2. Collection method: clinical testing. Allele origin: germline. Affected: yes. Observed: 1 variant allele.
Comment: DNMT3B: BP4, BP7

Labcorp Genetics (formerly Invitae), Labcorp
Classification: Likely benign for Centromeric instability of chromosomes 1,9 and 16 and immunodeficiency. Last evaluated: 2025-12-29. Review status: criteria provided, single submitter. Criteria: Invitae Variant Classification Sherloc (09022015). Collection method: clinical testing. Allele origin: germline.

Blueprint Genetics
Classification: Likely benign. Last evaluated: 2024-09-05. Review status: criteria provided, single submitter. Criteria: ACMG Guidelines, 2015. Collection method: clinical testing. Allele origin: germline.